The following is an entry in ClinVar:

NM_000089.4(COL1A2):c.81+6T>G

Gene: COL1A2 (collagen type I alpha 2 chain; plus strand). Cytogenetic location: 7q21.3.
Variant type: single nucleotide variant.
Coding change: c.81+6T>G on transcript NM_000089.4 (MANE Select); 6 bases into the intron after coding-DNA position 81, T replaced by G.
Molecular consequence: intron variant.
Genome position (GRCh38, 1-based): chr7:94,397,764, T>G. VCF-style: chr7-94397764-T-G. GRCh37 (hg19) VCF-style: chr7-94027076-T-G.
Identifiers: ClinVar variation 4847756 (VCV004847756.1).

ClinVar aggregate classification (germline): Uncertain significance (1 of 4 stars; one submission).

gnomAD v4.1: 1 of 1,313,548 alleles (0.000076%); highest among the groups gnomAD compares: African/African-American, 0.0015%; no homozygotes.

Submission:

Women's Health and Genetics/Laboratory Corporation of America, LabCorp
Classification: Uncertain significance. Last evaluated: 2026-03-23. Review status: criteria provided, single submitter. Criteria: LabCorp Variant Classification Summary - May 2015. Collection method: clinical testing. Allele origin: germline.
Comment: Variant summary: COL1A2 c.81+6T>G alters a conserved nucleotide located close to a canonical splice site and therefore could affect mRNA splicing, leading to a significantly altered protein sequence. Consensus agreement among computation tools predict no significant impact on normal splicing. However, these predictions have yet to be confirmed by functional studies. The variant was absent in 236976 control chromosomes. The available data on variant occurrences in the general population are insufficient to allow any conclusion about variant significance. To our knowledge, no occurrence of c.81+6T>G in individuals affected with COL1A2-related conditions and no experimental evidence demonstrating its impact on protein function have been reported. No submitters have cited clinical-significance assessments for this variant to ClinVar. Based on the evidence outlined above, the variant was classified as uncertain significance.